The following is an entry in ClinVar:

ClinVar aggregate classification (germline): Pathogenic/Likely pathogenic. Review status: criteria provided, multiple submitters, no conflicts (2 of 4 stars). 4 submissions from 4 submitters: Pathogenic (1); Likely pathogenic (2). 1 of the submissions does not count toward it. Last evaluated 2024-12-06.

Conditions:
DYRK1B-related disorder. Also called: DYRK1B-related condition.
Abdominal obesity-metabolic syndrome 3 (AOMS3). Also called: CENTRAL OBESITY, TYPE 2 DIABETES, HYPERTENSION, AND EARLY-ONSET CORONARY ARTERY DISEASE. Identifiers: MedGen C4014361, MONDO:0014352, OMIM 615812.

Allele frequency attached by ClinVar (database versions not stated): gnomAD exomes 0.00001 and 0.00002; TOPMed 0.00001; ExAC 0.00002; ESP Exome Variant Server 0.00008; gnomAD 0.00001.

Submissions (4):

PreventionGenetics, part of Exact Sciences
Classification: Likely pathogenic for DYRK1B-related condition. Last evaluated: 2024-12-06. Review status: criteria provided, single submitter. Criteria: ACMG Guidelines, 2015. Collection method: clinical testing. Allele origin: germline.
Comment: The DYRK1B c.304C>T variant is predicted to result in the amino acid substitution p.Arg102Cys. This variant has been reported to segregate with disease in three large families affected with metabolic syndrome and functional studies found this variant impacts protein function (Keramati et al. 2014. PubMed ID: 24827035). This variant is reported in 0.0035% of alleles in individuals of European (Non-Finnish) descent in gnomAD. This variant is interpreted as likely pathogenic.

Labcorp Genetics (formerly Invitae), Labcorp
Classification: Pathogenic. Last evaluated: 2022-03-26. Review status: criteria provided, single submitter. Criteria: Invitae Variant Classification Sherloc (09022015). Collection method: clinical testing. Allele origin: germline.
Comment: For these reasons, this variant has been classified as Pathogenic. Experimental studies have shown that this missense change affects DYRK1B function (PMID: 24827035). Advanced modeling of protein sequence and biophysical properties (such as structural, functional, and spatial information, amino acid conservation, physicochemical variation, residue mobility, and thermodynamic stability) performed at Invitae indicates that this missense variant is not expected to disrupt DYRK1B protein function. ClinVar contains an entry for this variant (Variation ID: 132792). This missense change has been observed in individual(s) with clinical features of abdominal obesity-metabolic syndrome 3 (PMID: 24827035). It has also been observed to segregate with disease in related individuals. This variant is present in population databases (rs367643250, gnomAD 0.003%). This sequence change replaces arginine, which is basic and polar, with cysteine, which is neutral and slightly polar, at codon 102 of the DYRK1B protein (p.Arg102Cys).

Juno Genomics, Hangzhou Juno Genomics, Inc
Classification: Likely pathogenic for Abdominal obesity-metabolic syndrome 3. Review status: criteria provided, single submitter. Criteria: ACMG Guidelines, 2015. Collection method: clinical testing. Allele origin: germline.
Comment: Absent from controls (or at extremely low frequency if recessive) in Genome Aggregation Database.;The prevalence of the variant in affected individuals is significantly increased compared to the prevalence in controls.;Co-segregation with disease in multiple affected family members.;Well-established in vitro or in vivo functional studies supportive of a damaging effect on the gene or gene product.

OMIM
Classification: Pathogenic for ABDOMINAL OBESITY-METABOLIC SYNDROME 3. Last evaluated: 2014-05-15. Review status: no assertion criteria provided. Collection method: literature only. Allele origin: germline. Not counted in ClinVar's aggregate classification.

Literature cited by the submitters: PubMed 24827035 (cited by Labcorp Genetics (formerly Invitae), Labcorp and OMIM).

NM_004714.3(DYRK1B):c.304C>T (p.Arg102Cys)

Gene: DYRK1B (dual specificity tyrosine phosphorylation regulated kinase 1B; minus strand). Cytogenetic location: 19q13.2.
Variant type: single nucleotide variant.
Coding change: c.304C>T on transcript NM_004714.3 (MANE Select); coding-DNA position 304, C replaced by T.
Protein change: p.Arg102Cys; replaces arginine 102 with cysteine.
Molecular consequence: missense variant.
Genome position (GRCh38, 1-based): chr19:39,830,443, G>A on the plus strand (C>T on the coding strand, the complement: DYRK1B is on the minus strand). VCF-style: chr19-39830443-G-A. GRCh37 (hg19) VCF-style: chr19-40321083-G-A.
Other names: c.304C>T, p.Arg102Cys (NM_006483.3, NM_006484.3); c.304C>T (NM_004714.2); short protein forms R102C.
Identifiers: ClinVar variation 132792 (VCV000132792.7), dbSNP rs367643250, ClinGen allele CA156202.
Genomic context (GRCh38, chr19:39,830,443, plus strand): 5'-AGGAGCCTTTGCCAATGAGCGAGTCAATTTCGTAGCGCTCCAGCCAGCGCTCGCCACTGC[G>A]CACGATGTAGTCATGGTTGTCGTCATCATAACCATGGTTCAGGACCTTCTTCTCCTTCTT-3'
Protein context (NP_004705.1, residues 92-112): YDDDNHDYIV[Arg102Cys]SGERWLERYE